The following is an entry in ClinVar:

NM_004211.5(SLC6A5):c.823G>A (p.Ala275Thr)

Gene: SLC6A5 (solute carrier family 6 member 5; plus strand). Cytogenetic location: 11p15.1.
Variant type: single nucleotide variant.
Coding change: c.823G>A on transcript NM_004211.5 (MANE Select); coding-DNA position 823, G replaced by A.
Protein change: p.Ala275Thr; replaces alanine 275 with threonine.
Molecular consequence: missense variant.
Genome position (GRCh38, 1-based): chr11:20,607,490, G>A. VCF-style: chr11-20607490-G-A. GRCh37 (hg19) VCF-style: chr11-20629036-G-A.
Other names: c.121G>A, p.Ala41Thr (NM_001318369.2); c.823G>A (NM_004211.3); short protein forms A41T, A275T.
Identifiers: ClinVar variation 1371772 (VCV001371772.5), dbSNP rs748625983, ClinGen allele CA5921231.

ClinVar aggregate classification (germline): Uncertain significance. Review status: criteria provided, multiple submitters, no conflicts (2 of 4 stars). 3 submissions from 3 submitters: Uncertain significance (3). Last evaluated 2022-10-17.

Conditions:
Inborn genetic diseases. Identifiers: MedGen C0950123, MeSH D030342.
Hyperekplexia 3 (HKPX3). Also called: HYPEREKPLEXIA 3, AUTOSOMAL RECESSIVE; HYPEREKPLEXIA 3, AUTOSOMAL DOMINANT. Identifiers: Orphanet 3197, MedGen C3553288, MONDO:0013827, OMIM 614618.

Allele frequency attached by ClinVar (database versions not stated): ExAC 0.00001; gnomAD exomes 0.00002 and 0.00004; gnomAD 0.00011 and 0.00012; TOPMed 0.00013.
gnomAD v4.1: 43 of 1,614,008 alleles (0.0027%); highest among the groups gnomAD compares: Admixed American, 0.038%; 2 homozygotes.

Submissions (3):

Labcorp Genetics (formerly Invitae), Labcorp
Classification: Uncertain significance for Hyperekplexia 3. Last evaluated: 2022-10-17. Review status: criteria provided, single submitter. Criteria: Invitae Variant Classification Sherloc (09022015). Collection method: clinical testing. Allele origin: germline.
Comment: This sequence change replaces alanine, which is neutral and non-polar, with threonine, which is neutral and polar, at codon 275 of the SLC6A5 protein (p.Ala275Thr). This variant is present in population databases (rs748625983, gnomAD 0.02%). This missense change has been observed in individual(s) with hyperekplexia although a second variant was not observed (PMID: 22700964). ClinVar contains an entry for this variant (Variation ID: 1371772). Advanced modeling of protein sequence and biophysical properties (such as structural, functional, and spatial information, amino acid conservation, physicochemical variation, residue mobility, and thermodynamic stability) performed at Invitae indicates that this missense variant is not expected to disrupt SLC6A5 protein function. In summary, the available evidence is currently insufficient to determine the role of this variant in disease. Therefore, it has been classified as a Variant of Uncertain Significance.

Mendelics
Classification: Uncertain significance. Last evaluated: 2022-05-04. Review status: criteria provided, single submitter. Criteria: Mendelics Assertion Criteria 2019. Collection method: clinical testing. Allele origin: germline.

Ambry Genetics
Classification: Uncertain significance for Inborn genetic diseases. Last evaluated: 2022-01-16. Review status: criteria provided, single submitter. Criteria: Ambry Variant Classification Scheme 2023. Collection method: clinical testing. Allele origin: germline.

Literature cited by the submitters: PubMed 22700964 (cited by Labcorp Genetics (formerly Invitae), Labcorp and Ambry Genetics); PubMed 33794243 (cited by Ambry Genetics).